The following is an entry in ClinVar:

NM_000341.4(SLC3A1):c.1882G>A (p.Asp628Asn)

Genes: PREPL (prolyl endopeptidase like; minus strand), SLC3A1 (solute carrier family 3 member 1; plus strand). Cytogenetic location: 2p21.
Variant type: single nucleotide variant.
Coding change: c.1882G>A on transcript NM_000341.4 (MANE Select); coding-DNA position 1882, G replaced by A.
Protein change: p.Asp628Asn; replaces aspartic acid 628 with asparagine.
Molecular consequence: missense variant. On other transcripts: 3 prime UTR variant (10).
Genome position (GRCh38, 1-based): chr2:44,320,463, G>A. VCF-style: chr2-44320463-G-A. GRCh37 (hg19) VCF-style: chr2-44547602-G-A.
Other names: c.*893C>T (NM_001042385.2, NM_001042386.2, NM_001171603.1 and 7 more transcripts); short protein forms D628N.
Identifiers: ClinVar variation 2186472 (VCV002186472.3), dbSNP rs146303355, ClinGen allele CA1640789.

ClinVar aggregate classification (germline): Uncertain significance (1 of 4 stars; one submission).

Conditions:
Cystinuria (CSNU). Also called: CYSTINURIA, TYPE I; CYSTINURIA, TYPE II; CYSTINURIA, TYPE III; Cystinuria, non-type I. Identifiers: Orphanet 214, MedGen C0010691, MONDO:0009067, OMIM 220100, HP:0003131.

Allele frequency attached by ClinVar (database versions not stated): ExAC 0.00002; gnomAD 0.00004; ESP Exome Variant Server 0.00008.

Submission:

Labcorp Genetics (formerly Invitae), Labcorp
Classification: Uncertain significance for Cystinuria. Last evaluated: 2022-04-22. Review status: criteria provided, single submitter. Criteria: Invitae Variant Classification Sherloc (09022015). Collection method: clinical testing. Allele origin: germline.
Comment: This variant has not been reported in the literature in individuals affected with SLC3A1-related conditions. The frequency data for this variant in the population databases is considered unreliable, as metrics indicate poor data quality at this position in the gnomAD database. This sequence change replaces aspartic acid, which is acidic and polar, with asparagine, which is neutral and polar, at codon 628 of the SLC3A1 protein (p.Asp628Asn). Algorithms developed to predict the effect of missense changes on protein structure and function output the following: SIFT: "Tolerated"; PolyPhen-2: "Benign"; Align-GVGD: "Class C0". The asparagine amino acid residue is found in multiple mammalian species, which suggests that this missense change does not adversely affect protein function. In summary, the available evidence is currently insufficient to determine the role of this variant in disease. Therefore, it has been classified as a Variant of Uncertain Significance.